The following is an entry in ClinVar:

ClinVar aggregate classification (germline): Uncertain significance. Review status: criteria provided, multiple submitters, no conflicts (2 of 4 stars). 2 submissions from 2 submitters: Uncertain significance (2). Last evaluated 2024-05-21.

Conditions:
Progressive familial heart block type IB (PFHB1B). Identifiers: Orphanet 871, MedGen C1970298, MONDO:0011474, OMIM 604559.
Cardiovascular phenotype. Identifiers: MedGen CN230736.

Allele frequency attached by ClinVar (database versions not stated): gnomAD exomes below 0.00001; TOPMed below 0.00001; ExAC 0.00001; gnomAD 0.00003.
gnomAD v4.1: 7 of 1,577,516 alleles (0.00044%); highest among the groups gnomAD compares: African/African-American, 0.0067%; no homozygotes.

Submissions (2):

Labcorp Genetics (formerly Invitae), Labcorp
Classification: Uncertain significance for Progressive familial heart block type IB. Last evaluated: 2024-05-21. Review status: criteria provided, single submitter. Criteria: Invitae Variant Classification Sherloc (09022015). Collection method: clinical testing. Allele origin: germline.
Comment: This sequence change replaces glycine, which is neutral and non-polar, with arginine, which is basic and polar, at codon 494 of the TRPM4 protein (p.Gly494Arg). This variant is present in population databases (rs752621038, gnomAD 0.01%). This variant has not been reported in the literature in individuals affected with TRPM4-related conditions. ClinVar contains an entry for this variant (Variation ID: 1523877). An algorithm developed to predict the effect of missense changes on protein structure and function (PolyPhen-2) suggests that this variant is likely to be tolerated. In summary, the available evidence is currently insufficient to determine the role of this variant in disease. Therefore, it has been classified as a Variant of Uncertain Significance.

Ambry Genetics
Classification: Uncertain significance for Cardiovascular phenotype. Last evaluated: 2023-12-29. Review status: criteria provided, single submitter. Criteria: Ambry Variant Classification Scheme 2023. Collection method: clinical testing. Allele origin: germline.
Comment: The p.G494R variant (also known as c.1480G>A), located in coding exon 11 of the TRPM4 gene, results from a G to A substitution at nucleotide position 1480. The glycine at codon 494 is replaced by arginine, an amino acid with dissimilar properties. This amino acid position is conserved. In addition, this alteration is predicted to be tolerated by in silico analysis. Since supporting evidence is limited at this time, the clinical significance of this alteration remains unclear.

NM_017636.4(TRPM4):c.1480G>A (p.Gly494Arg)

Gene: TRPM4 (transient receptor potential cation channel subfamily M member 4; plus strand). Cytogenetic location: 19q13.33.
Variant type: single nucleotide variant.
Coding change: c.1480G>A on transcript NM_017636.4 (MANE Select); coding-DNA position 1480, G replaced by A.
Protein change: p.Gly494Arg; replaces glycine 494 with arginine.
Molecular consequence: missense variant. On other transcripts: 5 prime UTR variant (1).
Genome position (GRCh38, 1-based): chr19:49,182,794, G>A. VCF-style: chr19-49182794-G-A. GRCh37 (hg19) VCF-style: chr19-49686051-G-A.
Other names: c.1480G>A, p.Gly494Arg (NM_001195227.2); c.1135G>A, p.Gly379Arg (NM_001321281.2); c.-74G>A (NM_001321282.2); c.958G>A, p.Gly320Arg (NM_001321283.2); c.418G>A, p.Gly140Arg (NM_001321285.2); c.1480G>A (NM_017636.3); short protein forms G379R, G494R, G140R, G320R.
Identifiers: ClinVar variation 1523877 (VCV001523877.7), dbSNP rs752621038, ClinGen allele CA9569204.